The following is an entry in ClinVar:

NM_022464.5(SIL1):c.573G>A (p.Lys191=)

Gene: SIL1 (SIL1 nucleotide exchange factor; minus strand). Cytogenetic location: 5q31.2.
Variant type: single nucleotide variant.
Coding change: c.573G>A on transcript NM_022464.5 (MANE Select); coding-DNA position 573, G replaced by A.
Protein change: p.Lys191=; no amino-acid change (lysine 191 retained).
Molecular consequence: synonymous variant.
Genome position (GRCh38, 1-based): chr5:139,026,873, C>T on the plus strand (G>A on the coding strand, the complement: SIL1 is on the minus strand). VCF-style: chr5-139026873-C-T. GRCh37 (hg19) VCF-style: chr5-138362562-C-T.
Other names: c.573G>A, p.Lys191= (NM_001037633.2).
Identifiers: ClinVar variation 281616 (VCV000281616.21), dbSNP rs148927511, ClinGen allele CA3432547.
Genomic context (GRCh38, chr5:139,026,873, plus strand): 5'-ATATTCAAGATCAAAGAGCGCAGCAATCTTCTCTTCCAAACTGGAGCTGGAACTATTGAA[C>T]TTGTTGATCAGCCGTACCATGATCTGCATGTCAGTCTCAATGACAACATTCAGCTCATCA-3'
Protein context (NP_071909.1, residues 181-201): DMQIMVRLIN[Lys191=]FNSSSSSLEE

ClinVar aggregate classification (germline): Conflicting classifications of pathogenicity. Review status: criteria provided, conflicting classifications (1 of 4 stars). 6 submissions from 6 submitters: Uncertain significance (1); Benign (3); Likely benign (2). Last evaluated 2026-02-01.

Conditions:
Marinesco-Sjögren syndrome (MSS). Also called: Marinesco-Sjogren Syndrome; Marinesco-SjÃ¶gren syndrome. Identifiers: Orphanet 559, MedGen C0024814, MONDO:0009567, OMIM 248800.

Allele frequency attached by ClinVar (database versions not stated): gnomAD exomes 0.00040 and 0.00089; TOPMed 0.00042; gnomAD 0.00049 and 0.00052; ExAC 0.00061; ESP Exome Variant Server 0.00092.
gnomAD v4.1: 719 of 1,614,090 alleles (0.045%); highest among the groups gnomAD compares: Non-Finnish European, 0.0085%; 4 homozygotes.

Submissions (6):

Labcorp Genetics (formerly Invitae), Labcorp
Classification: Benign for Marinesco-Sjögren syndrome. Last evaluated: 2026-02-01. Review status: criteria provided, single submitter. Criteria: Invitae Variant Classification Sherloc (09022015). Collection method: clinical testing. Allele origin: germline.

Blueprint Genetics
Classification: Likely benign. Last evaluated: 2024-09-30. Review status: criteria provided, single submitter. Criteria: ACMG Guidelines, 2015. Collection method: clinical testing. Allele origin: germline.

GeneDx
Classification: Likely benign. Last evaluated: 2021-01-20. Review status: criteria provided, single submitter. Criteria: GeneDx Variant Classification Process June 2021. Collection method: clinical testing. Allele origin: germline. Affected: yes.

Illumina Laboratory Services, Illumina
Classification: Benign for Marinesco-Sjögren syndrome. Last evaluated: 2017-09-19. Review status: criteria provided, single submitter. Criteria: ICSL Variant Classification Criteria 13 December 2019. Collection method: clinical testing. Allele origin: germline.
Comment: This variant was observed as part of a predisposition screen in an ostensibly healthy population. A literature search was performed for the gene, cDNA change, and amino acid change (where applicable). No publications were found based on this search. Allele frequency data from public databases was too high to be consistent with this variant causing disease. Therefore, this variant is classified as benign.

Athena Diagnostics
Classification: Benign. Last evaluated: 2017-06-30. Review status: criteria provided, single submitter. Criteria: Athena Diagnostics Criteria. Collection method: clinical testing. Allele origin: germline.

Eurofins Ntd Llc (ga)
Classification: Uncertain significance. Last evaluated: 2015-07-02. Review status: criteria provided, single submitter. Criteria: EGL Classification Definitions 2015. Collection method: clinical testing. Allele origin: germline. Observed: 1 variant allele, 1 heterozygote.